The following is an entry in ClinVar:

NM_205836.3(FBXO38):c.137C>T (p.Pro46Leu)

Gene: FBXO38 (F-box protein 38; plus strand). Cytogenetic location: 5q32.
Variant type: single nucleotide variant.
Coding change: c.137C>T on transcript NM_205836.3 (MANE Select); coding-DNA position 137, C replaced by T.
Protein change: p.Pro46Leu; replaces proline 46 with leucine.
Molecular consequence: missense variant.
Genome position (GRCh38, 1-based): chr5:148,399,007, C>T. VCF-style: chr5-148399007-C-T. GRCh37 (hg19) VCF-style: chr5-147778570-C-T.
Other names: c.137C>T, p.Pro46Leu (NM_001271723.2, NM_030793.5); short protein forms P46L.
Identifiers: ClinVar variation 1359559 (VCV001359559.6), dbSNP rs1403533819, ClinGen allele CA361654069.

ClinVar aggregate classification (germline): Uncertain significance (1 of 4 stars; one submission).

Conditions:
Distal hereditary motor neuropathy type 2. Identifiers: Orphanet 139525, MedGen C3711384, MeSH C580044, MONDO:0015352.

Allele frequency attached by ClinVar (database versions not stated): TOPMed below 0.00001; gnomAD exomes 0.00001.
gnomAD v4.1: 7 of 1,613,262 alleles (0.00043%); highest among the groups gnomAD compares: Non-Finnish European, 0.00059%; no homozygotes.

Submission:

Labcorp Genetics (formerly Invitae), Labcorp
Classification: Uncertain significance for Distal hereditary motor neuropathy type 2. Last evaluated: 2024-02-17. Review status: criteria provided, single submitter. Criteria: Invitae Variant Classification Sherloc (09022015). Collection method: clinical testing. Allele origin: germline.
Comment: This sequence change replaces proline, which is neutral and non-polar, with leucine, which is neutral and non-polar, at codon 46 of the FBXO38 protein (p.Pro46Leu). This variant is not present in population databases (gnomAD no frequency). This variant has not been reported in the literature in individuals affected with FBXO38-related conditions. ClinVar contains an entry for this variant (Variation ID: 1359559). Advanced modeling of protein sequence and biophysical properties (such as structural, functional, and spatial information, amino acid conservation, physicochemical variation, residue mobility, and thermodynamic stability) has been performed at Invitae for this missense variant, however the output from this modeling did not meet the statistical confidence thresholds required to predict the impact of this variant on FBXO38 protein function. In summary, the available evidence is currently insufficient to determine the role of this variant in disease. Therefore, it has been classified as a Variant of Uncertain Significance.